The following is an entry in ClinVar:

ClinVar aggregate classification (germline): Uncertain significance (1 of 4 stars; one submission).

gnomAD v4.1: 1 of 1,613,916 alleles (0.000062%); highest among the groups gnomAD compares: African/African-American, 0.0013%; no homozygotes.

Submission:

Ambry Genetics
Classification: Uncertain significance. Last evaluated: 2024-10-18. Review status: criteria provided, single submitter. Criteria: Ambry Variant Classification Scheme 2023. Collection method: clinical testing. Allele origin: germline.
Comment: The p.G984V variant (also known as c.2951G>T), located in coding exon 26 of the KIF1B gene, results from a G to T substitution at nucleotide position 2951. The glycine at codon 984 is replaced by valine, an amino acid with dissimilar properties. This amino acid position is conserved. In addition, this alteration is predicted to be deleterious by in silico analysis. Based on the available evidence, the clinical significance of this variant remains unclear.

NM_001365951.3(KIF1B):c.3089G>T (p.Gly1030Val)

Gene: KIF1B (kinesin family member 1B; plus strand). Cytogenetic location: 1p36.22.
Variant type: single nucleotide variant.
Coding change: c.3089G>T on transcript NM_001365951.3 (MANE Select); coding-DNA position 3089, G replaced by T.
Protein change: p.Gly1030Val; replaces glycine 1030 with valine.
Molecular consequence: missense variant.
Genome position (GRCh38, 1-based): chr1:10,336,702, G>T. VCF-style: chr1-10336702-G-T. GRCh37 (hg19) VCF-style: chr1-10396760-G-T.
Other names: c.3089G>T, p.Gly1030Val (NM_001365952.1); c.2951G>T, p.Gly984Val (NM_015074.3); short protein forms G984V, G1030V.
Identifiers: ClinVar variation 3533902 (VCV003533902.1).